The following is an entry in ClinVar:

NM_003105.6(SORL1):c.3005C>T (p.Thr1002Met)

Gene: SORL1 (sortilin related receptor 1; plus strand). Cytogenetic location: 11q24.1.
Variant type: single nucleotide variant.
Coding change: c.3005C>T on transcript NM_003105.6 (MANE Select); coding-DNA position 3005, C replaced by T.
Protein change: p.Thr1002Met; replaces threonine 1002 with methionine.
Molecular consequence: missense variant.
Genome position (GRCh38, 1-based): chr11:121,559,613, C>T. VCF-style: chr11-121559613-C-T. GRCh37 (hg19) VCF-style: chr11-121430322-C-T.
Other names: short protein forms T1002M.
Identifiers: ClinVar variation 1470755 (VCV001470755.30), dbSNP rs368806137, ClinGen allele CA6329114.

ClinVar aggregate classification (germline): Uncertain significance. Review status: criteria provided, multiple submitters, no conflicts (2 of 4 stars). 2 submissions from 2 submitters: Uncertain significance (2). Last evaluated 2024-01-01.

Allele frequency attached by ClinVar (database versions not stated): TOPMed 0.00007; ESP Exome Variant Server 0.00008; gnomAD exomes 0.00008 and 0.00011; ExAC 0.00009; gnomAD 0.00010 and 0.00011.
gnomAD v4.1: 168 of 1,613,974 alleles (0.01%); highest among the groups gnomAD compares: Non-Finnish European, 0.011%; no homozygotes.

Submissions (2):

CeGaT Center for Human Genetics Tuebingen
Classification: Uncertain significance. Last evaluated: 2024-01-01. Review status: criteria provided, single submitter. Criteria: CeGaT Center For Human Genetics Tuebingen Variant Classification Criteria Version 2. Collection method: clinical testing. Allele origin: germline. Affected: yes. Observed: 1 variant allele.

Labcorp Genetics (formerly Invitae), Labcorp
Classification: Uncertain significance. Last evaluated: 2023-11-09. Review status: criteria provided, single submitter. Criteria: Invitae Variant Classification Sherloc (09022015). Collection method: clinical testing. Allele origin: germline.
Comment: This sequence change replaces threonine, which is neutral and polar, with methionine, which is neutral and non-polar, at codon 1002 of the SORL1 protein (p.Thr1002Met). This variant is present in population databases (rs368806137, gnomAD 0.02%). This variant has not been reported in the literature in individuals affected with SORL1-related conditions. ClinVar contains an entry for this variant (Variation ID: 1470755). An algorithm developed to predict the effect of missense changes on protein structure and function (PolyPhen-2) suggests that this variant is likely to be disruptive. In summary, the available evidence is currently insufficient to determine the role of this variant in disease. Therefore, it has been classified as a Variant of Uncertain Significance.